The following is an entry in ClinVar:

ClinVar aggregate classification (germline): Conflicting classifications of pathogenicity. Review status: criteria provided, conflicting classifications (1 of 4 stars). 8 submissions from 8 submitters: Uncertain significance (6); Likely benign (2). Last evaluated 2026-01-13.

Conditions:
Familial adenomatous polyposis 2. Also called: FAP type 2; Adenomas, multiple colorectal; MUTYH Polyposis; MYH-associated polyposis; MUTYH-associated polyposis; MUTYH-related attenuated familial adenomatous polyposis. Identifiers: Orphanet 220460, Orphanet 247798, MedGen C3272841, MONDO:0012041, OMIM 608456.
Gastric cancer. Also called: Stomach cancer; Malignant tumor of stomach. Identifiers: MedGen C0024623, MeSH D013274, MONDO:0001056, OMIM 613659, HP:0012126.
Hereditary cancer-predisposing syndrome. Also called: Tumor predisposition; Neoplastic Syndromes, Hereditary; Hereditary Cancer Syndrome; Hereditary neoplastic syndrome. Identifiers: Orphanet 140162, MedGen C0027672, MeSH D009386, MONDO:0015356.

Allele frequency attached by ClinVar (database versions not stated): ExAC 0.00003; TOPMed 0.00003; ESP Exome Variant Server 0.00015; gnomAD exomes 0.00001 and 0.00002; gnomAD 0.00002.

Submissions (8):

Labcorp Genetics (formerly Invitae), Labcorp
Classification: Uncertain significance for Familial adenomatous polyposis 2. Last evaluated: 2026-01-13. Review status: criteria provided, single submitter. Criteria: Invitae Variant Classification Sherloc (09022015). Collection method: clinical testing. Allele origin: germline.
Comment: This sequence change replaces arginine, which is basic and polar, with histidine, which is basic and polar, at codon 417 of the MUTYH protein (p.Arg417His). This variant is present in population databases (rs373803765, gnomAD 0.007%). This variant has not been reported in the literature in individuals affected with MUTYH-related conditions. ClinVar contains an entry for this variant (Variation ID: 140791). An algorithm developed to predict the effect of missense changes on protein structure and function outputs the following: PolyPhen-2: "Benign". The histidine amino acid residue is found in multiple mammalian species, which suggests that this missense change does not adversely affect protein function. In summary, the available evidence is currently insufficient to determine the role of this variant in disease. Therefore, it has been classified as a Variant of Uncertain Significance.

Color Diagnostics, LLC DBA Color Health
Classification: Likely benign for Hereditary cancer-predisposing syndrome. Last evaluated: 2025-09-10. Review status: criteria provided, single submitter. Criteria: ACMG Guidelines, 2015. Collection method: clinical testing. Allele origin: germline.

All of Us Research Program, National Institutes of Health
Classification: Uncertain significance for Familial adenomatous polyposis 2. Last evaluated: 2024-05-14. Review status: criteria provided, single submitter. Criteria: ACMG Guidelines, 2015. Collection method: clinical testing. Allele origin: germline. Inheritance: Autosomal recessive inheritance. Observed: 5 variant alleles, 5 heterozygotes.
Comment: This missense variant replaces arginine with histidine at codon 417 of the MUTYH protein. Computational prediction suggests that this variant may not impact protein structure and function (internally defined REVEL score threshold <= 0.5, PMID: 27666373). To our knowledge, functional studies have not been reported for this variant. This variant has not been reported in individuals affected with hereditary cancer in the literature. This variant has been identified in 5/251058 chromosomes in the general population by the Genome Aggregation Database (gnomAD). The available evidence is insufficient to determine the role of this variant in disease conclusively. Therefore, this variant is classified as a Variant of Uncertain Significance.

This study involves interpretation of variants in research participants for the purpose of population health screening. Participant phenotype was not available at the time of variant classification. Additional details can be found in publication PMID: 35346344, PMCID: PMC8962531

Ambry Genetics
Classification: Likely benign for Hereditary cancer-predisposing syndrome. Last evaluated: 2023-12-12. Review status: criteria provided, single submitter. Criteria: Ambry Variant Classification Scheme 2023. Collection method: clinical testing. Allele origin: germline.

Women's Health and Genetics/Laboratory Corporation of America, LabCorp
Classification: Uncertain significance. Last evaluated: 2023-05-22. Review status: criteria provided, single submitter. Criteria: LabCorp Variant Classification Summary - May 2015. Collection method: clinical testing. Allele origin: germline.

Fulgent Genetics
Classification: Uncertain significance for Familial adenomatous polyposis 2; Gastric cancer. Last evaluated: 2022-05-23. Review status: criteria provided, single submitter. Criteria: ACMG Guidelines, 2015. Collection method: clinical testing. Allele origin: unknown.

Sema4
Classification: Uncertain significance for Hereditary cancer-predisposing syndrome. Last evaluated: 2022-01-26. Review status: criteria provided, single submitter. Criteria: Sema4 Curation Guidelines. Collection method: curation. Allele origin: germline.
Comment: To the best of our knowledge, the MUTYH c.1250G>A (p.R417H) variant has not been reported in individuals with MUTYH-related disease. This variant was observed in 1/16206 in the African/African American population and in 2/34586 in the Latino/Admixed American population according to the Genome Aggregation Database (PMID: 32461654). The variant has been reported in ClinVar (Variation ID: 140791). In silico tools suggest the impact of the variant on protein function is benign, though these predictions have not been confirmed by functional studies. The evidence is insufficient to meet ACMG/AMP criteria for classifying the variant as benign or pathogenic. Thus, the clinical significance of this variant is currently uncertain.

GeneDx
Classification: Uncertain significance. Last evaluated: 2021-12-08. Review status: criteria provided, single submitter. Criteria: GeneDx Variant Classification Process June 2021. Collection method: clinical testing. Allele origin: germline. Affected: yes.
Comment: Not observed at significant frequency in large population cohorts (Lek 2016); In silico analysis, which includes protein predictors and evolutionary conservation, supports that this variant does not alter protein structure/function; Has not been previously published as pathogenic or benign to our knowledge; This variant is associated with the following publications: (PMID: 23108399)

NM_001048174.2(MUTYH):c.1166G>A (p.Arg389His)

Gene: MUTYH (mutY DNA glycosylase; minus strand). Cytogenetic location: 1p34.1.
Variant type: single nucleotide variant.
Coding change: c.1166G>A on transcript NM_001048174.2 (MANE Select); coding-DNA position 1166, G replaced by A.
Protein change: p.Arg389His; replaces arginine 389 with histidine.
Molecular consequence: missense variant. On other transcripts: non-coding transcript variant (2).
Genome position (GRCh38, 1-based): chr1:45,331,493, C>T on the plus strand (G>A on the coding strand, the complement: MUTYH is on the minus strand). VCF-style: chr1-45331493-C-T. GRCh37 (hg19) VCF-style: chr1-45797165-C-T.
Other names: c.1166G>A, p.Arg389His (NM_001048171.2, NM_001048173.2, NM_001293195.2); c.1169G>A, p.Arg390His (NM_001048172.2); c.1250G>A, p.Arg417His (NM_001128425.2); c.1211G>A, p.Arg404His (NM_001293190.2); c.1199G>A, p.Arg400His (NM_001293191.2); c.890G>A, p.Arg297His (NM_001293192.2, NM_001293196.2); c.821G>A, p.Arg274His (NM_001350650.2, NM_001350651.2); c.1241G>A, p.Arg414His (NM_012222.3); short protein forms R417H, R297H, R389H, R390H, R400H, R404H, R274H, R414H.
Identifiers: ClinVar variation 140791 (VCV000140791.29), dbSNP rs373803765, ClinGen allele CA012406.